The following is an entry in ClinVar:

NM_004453.4(ETFDH):c.1550A>T (p.Asp517Val)

Gene: ETFDH (electron transfer flavoprotein dehydrogenase; plus strand). Cytogenetic location: 4q32.1.
Variant type: single nucleotide variant.
Coding change: c.1550A>T on transcript NM_004453.4 (MANE Select); coding-DNA position 1550, A replaced by T.
Protein change: p.Asp517Val; replaces aspartic acid 517 with valine.
Molecular consequence: missense variant.
Genome position (GRCh38, 1-based): chr4:158,706,710, A>T. VCF-style: chr4-158706710-A-T. GRCh37 (hg19) VCF-style: chr4-159627862-A-T.
Other names: c.1409A>T, p.Asp470Val (NM_001281737.2); c.1367A>T, p.Asp456Val (NM_001281738.1); short protein forms D456V, D470V, D517V.
Identifiers: ClinVar variation 1801699 (VCV001801699.1), dbSNP rs777302338, ClinGen allele CA358564845.
Genomic context (GRCh38, chr4:158,706,710, plus strand): 5'-AGCCAGCCAAGGATTGCACACCTATTGAGTATCCAAAACCCGATGGACAGATCAGTTTTG[A>T]CCTCTTGTCATCTGTGGCTCTGAGTGGTACTAATCATGAACATGACCAGCCGGCACACTT-3'
Protein context (NP_004444.2, residues 507-527): YPKPDGQISF[Asp517Val]LLSSVALSGT

ClinVar aggregate classification (germline): Uncertain significance (1 of 4 stars; one submission).

Conditions:
Myopathy. Identifiers: MedGen C0026848, MeSH D009135, MONDO:0005336, HP:0003198.

Submission:

Human Genetics Bochum, Ruhr University Bochum
Classification: Uncertain significance for Myopathy. Last evaluated: 2022-08-08. Review status: criteria provided, single submitter. Criteria: ACMG Guidelines, 2015. Collection method: clinical testing. Allele origin: germline. Affected: yes.
Comment: ACMG criteria used to clasify this variant: PM2_SUP, PP2, PP3